The following is an entry in ClinVar:

ClinVar aggregate classification (germline): Uncertain significance (1 of 4 stars; one submission).

Conditions:
Spastic paraplegia. Identifiers: MedGen C0037772, HP:0001258.

gnomAD v4.1: 2 of 1,478,330 alleles (0.00014%); highest among the groups gnomAD compares: Non-Finnish European, 0.00018%; no homozygotes.

Submission:

Labcorp Genetics (formerly Invitae), Labcorp
Classification: Uncertain significance for Spastic paraplegia. Last evaluated: 2025-02-20. Review status: criteria provided, single submitter. Criteria: Invitae Variant Classification Sherloc (09022015). Collection method: clinical testing. Allele origin: germline.
Comment: This sequence change replaces alanine, which is neutral and non-polar, with proline, which is neutral and non-polar, at codon 113 of the GJC2 protein (p.Ala113Pro). This variant is present in population databases (no rsID available, gnomAD 0.002%). This variant has not been reported in the literature in individuals affected with GJC2-related conditions. Invitae Evidence Modeling of protein sequence and biophysical properties (such as structural, functional, and spatial information, amino acid conservation, physicochemical variation, residue mobility, and thermodynamic stability) has been performed for this missense variant. However, the output from this modeling did not meet the statistical confidence thresholds required to predict the impact of this variant on GJC2 protein function. In summary, the available evidence is currently insufficient to determine the role of this variant in disease. Therefore, it has been classified as a Variant of Uncertain Significance.

NM_020435.4(GJC2):c.337G>C (p.Ala113Pro)

Gene: GJC2 (gap junction protein gamma 2; plus strand). Cytogenetic location: 1q42.13.
Variant type: single nucleotide variant.
Coding change: c.337G>C on transcript NM_020435.4 (MANE Select); coding-DNA position 337, G replaced by C.
Protein change: p.Ala113Pro; replaces alanine 113 with proline.
Molecular consequence: missense variant.
Genome position (GRCh38, 1-based): chr1:228,158,095, G>C. VCF-style: chr1-228158095-G-C. GRCh37 (hg19) VCF-style: chr1-228345796-G-C.
Other names: short protein forms A113P.
Identifiers: ClinVar variation 4742017 (VCV004742017.1).